The following is an entry in ClinVar:

NM_001271938.2(MEGF8):c.7136+10A>C

Gene: MEGF8 (multiple EGF like domains 8; plus strand). Cytogenetic location: 19q13.2.
Variant type: single nucleotide variant.
Coding change: c.7136+10A>C on transcript NM_001271938.2 (MANE Select); 10 bases into the intron after coding-DNA position 7136, A replaced by C.
Molecular consequence: intron variant.
Genome position (GRCh38, 1-based): chr19:42,370,841, A>C. VCF-style: chr19-42370841-A-C. GRCh37 (hg19) VCF-style: chr19-42874993-A-C.
Other names: c.6935+10A>C (NM_001410.3).
Identifiers: ClinVar variation 702335 (VCV000702335.12), dbSNP rs750945705, ClinGen allele CA9476057.
Genomic context (GRCh38, chr19:42,370,841, plus strand): 5'-ATGCGAGAGCTGCCTGCAGGGCTACTTCCTCCTGGACGGGAAGTGCACCAAGTAAGAGGA[A>C]CCGGGGGGGGGGGGGGGGGGGGGGGGGGGGGAGGCCGGGGATCCCACCCTTCTCACTGGG-3'

ClinVar aggregate classification (germline): Likely benign. Review status: criteria provided, multiple submitters, no conflicts (2 of 4 stars). 3 submissions from 3 submitters: Likely benign (2). 1 of the submissions does not count toward it. Last evaluated 2025-09-21.

Conditions:
MEGF8-related disorder. Also called: MEGF8-related condition.
MEGF8-related Carpenter syndrome. Also called: Carpenter syndrome 2. Identifiers: Orphanet 65759, MedGen C3554247, MONDO:0013998, OMIM 614976.

Allele frequency attached by ClinVar (database versions not stated): gnomAD 0.00096; gnomAD exomes 0.00805; ExAC 0.00909.

Submissions (3):

Labcorp Genetics (formerly Invitae), Labcorp
Classification: Likely benign for MEGF8-related Carpenter syndrome. Last evaluated: 2025-09-21. Review status: criteria provided, single submitter. Criteria: Invitae Variant Classification Sherloc (09022015). Collection method: clinical testing. Allele origin: germline.

Blueprint Genetics
Classification: Likely benign. Last evaluated: 2024-06-19. Review status: criteria provided, single submitter. Criteria: ACMG Guidelines, 2015. Collection method: clinical testing. Allele origin: germline.

PreventionGenetics, part of Exact Sciences
Classification: Likely benign for MEGF8-related condition. Last evaluated: 2019-03-08. Review status: no assertion criteria provided. Collection method: clinical testing. Allele origin: germline. Not counted in ClinVar's aggregate classification.
Comment: This variant is classified as likely benign based on ACMG/AMP sequence variant interpretation guidelines (Richards et al. 2015 PMID: 25741868, with internal and published modifications).